The following is an entry in ClinVar:

NM_182931.3(KMT2E):c.4630C>T (p.Pro1544Ser)

Gene: KMT2E (lysine methyltransferase 2E (inactive); plus strand). Cytogenetic location: 7q22.3.
Variant type: single nucleotide variant.
Coding change: c.4630C>T on transcript NM_182931.3 (MANE Select); coding-DNA position 4630, C replaced by T.
Protein change: p.Pro1544Ser; replaces proline 1544 with serine.
Molecular consequence: missense variant.
Genome position (GRCh38, 1-based): chr7:105,112,386, C>T. VCF-style: chr7-105112386-C-T. GRCh37 (hg19) VCF-style: chr7-104752833-C-T.
Other names: c.4630C>T, p.Pro1544Ser (NM_018682.4); short protein forms P1544S.
Identifiers: ClinVar variation 1312406 (VCV001312406.3), dbSNP rs2129570205, ClinGen allele CA368793071.

ClinVar aggregate classification (germline): Uncertain significance (1 of 4 stars; one submission).

Submission:

GeneDx
Classification: Uncertain significance. Last evaluated: 2024-12-10. Review status: criteria provided, single submitter. Criteria: GeneDx Variant Classification Process June 2021. Collection method: clinical testing. Allele origin: germline. Affected: yes.
Comment: Not observed at significant frequency in large population cohorts (gnomAD); In silico analysis indicates that this missense variant does not alter protein structure/function; Has not been previously published as pathogenic or benign to our knowledge